The following is an entry in ClinVar:

NM_031407.7(HUWE1):c.12275C>A (p.Thr4092Asn)

Gene: HUWE1 (HECT, UBA and WWE domain containing E3 ubiquitin protein ligase 1; minus strand). Cytogenetic location: Xp11.22.
Variant type: single nucleotide variant.
Coding change: c.12275C>A on transcript NM_031407.7 (MANE Select); coding-DNA position 12275, C replaced by A.
Protein change: p.Thr4092Asn; replaces threonine 4092 with asparagine.
Molecular consequence: missense variant.
Genome position (GRCh38, 1-based): chrX:53,536,530, G>T on the plus strand (C>A on the coding strand, the complement: HUWE1 is on the minus strand). VCF-style: chrX-53536530-G-T. GRCh37 (hg19) VCF-style: chrX-53563491-G-T.
Other names: short protein forms T4092N.
Identifiers: ClinVar variation 129250 (VCV000129250.7), dbSNP rs587780358, ClinGen allele CA231177.

ClinVar aggregate classification (germline): Conflicting classifications of pathogenicity. Review status: criteria provided, conflicting classifications (1 of 4 stars). 2 submissions from 2 submitters: Likely pathogenic (1); Uncertain significance (1). Last evaluated 2026-04-05.

Submissions (2):

GeneDx
Classification: Likely pathogenic. Last evaluated: 2026-04-05. Review status: criteria provided, single submitter. Criteria: GeneDx Variant Classification Process June 2021. Collection method: clinical testing. Allele origin: germline.
Comment: Not observed at significant frequency in large population cohorts (gnomAD); In silico analysis suggests that this missense variant does not alter protein structure/function; This variant is associated with the following publications: (PMID: 35982159, 33057194)

Genetic Services Laboratory, University of Chicago
Classification: Uncertain significance. Last evaluated: 2014-03-18. Review status: criteria provided, single submitter. Criteria: ACMG Guidelines, 2007. Collection method: clinical testing. Allele origin: germline. Inheritance: X-linked inheritance.